The following is an entry in ClinVar:

ClinVar aggregate classification (germline): Pathogenic (1 of 4 stars; one submission).

Conditions:
Fanconi anemia (FA). Also called: Fanconi's anemia. Identifiers: Orphanet 84, MedGen C0015625, MeSH D005199, MONDO:0019391.

Allele frequency attached by ClinVar (database versions not stated): gnomAD exomes below 0.00001.
gnomAD v4.1: 1 of 1,561,640 alleles (0.000064%); no homozygotes.

Submission:

Labcorp Genetics (formerly Invitae), Labcorp
Classification: Pathogenic for Fanconi anemia. Last evaluated: 2022-07-30. Review status: criteria provided, single submitter. Criteria: Invitae Variant Classification Sherloc (09022015). Collection method: clinical testing. Allele origin: germline.
Comment: This sequence change creates a premature translational stop signal (p.Gln606*) in the SLX4 gene. It is expected to result in an absent or disrupted protein product. Loss-of-function variants in SLX4 are known to be pathogenic (PMID: 21240277). This variant is not present in population databases (gnomAD no frequency). This variant has not been reported in the literature in individuals affected with SLX4-related conditions. For these reasons, this variant has been classified as Pathogenic.

Literature cited by the submitters: PubMed 21240277.

NM_032444.4(SLX4):c.1816C>T (p.Gln606Ter)

Gene: SLX4 (SLX4 structure-specific endonuclease subunit; minus strand). Cytogenetic location: 16p13.3.
Variant type: single nucleotide variant.
Coding change: c.1816C>T on transcript NM_032444.4 (MANE Select); coding-DNA position 1816, C replaced by T.
Protein change: p.Gln606Ter; replaces glutamine 606 with a stop codon.
Molecular consequence: nonsense.
Genome position (GRCh38, 1-based): chr16:3,596,261, G>A on the plus strand (C>T on the coding strand, the complement: SLX4 is on the minus strand). VCF-style: chr16-3596261-G-A. GRCh37 (hg19) VCF-style: chr16-3646262-G-A.
Other names: short protein forms Q606*.
Identifiers: ClinVar variation 2020404 (VCV002020404.4), dbSNP rs1264895281, ClinGen allele CA394527332.